The following is an entry in ClinVar:

ClinVar aggregate classification (germline): Uncertain significance. Review status: criteria provided, multiple submitters, no conflicts (2 of 4 stars). 2 submissions from 2 submitters: Uncertain significance (2). Last evaluated 2023-11-02.

Conditions:
Hereditary cancer-predisposing syndrome. Also called: Neoplastic Syndromes, Hereditary; Tumor predisposition; Hereditary neoplastic syndrome; Hereditary Cancer Syndrome. Identifiers: Orphanet 140162, MedGen C0027672, MeSH D009386, MONDO:0015356.
Lynch syndrome. Identifiers: Orphanet 144, MedGen C4552100, MONDO:0005835. Disease mechanism: loss of function.

Submissions (2):

All of Us Research Program, National Institutes of Health
Classification: Uncertain significance for Lynch syndrome. Last evaluated: 2023-11-02. Review status: criteria provided, single submitter. Criteria: ACMG Guidelines, 2015. Collection method: clinical testing. Allele origin: germline. Inheritance: Autosomal dominant inheritance. Observed: 1 variant allele, 1 heterozygote.
Comment: This missense variant replaces lysine with glutamine at codon 68 of the MSH6 protein. Computational prediction suggests that this variant may not impact protein structure and function (internally defined REVEL score threshold <= 0.5, PMID: 27666373). To our knowledge, functional studies have not been reported for this variant. This variant has not been reported in individuals affected with MSH6-related disorders in the literature. This variant has not been identified in the general population by the Genome Aggregation Database (gnomAD). The available evidence is insufficient to determine the role of this variant in disease conclusively. Therefore, this variant is classified as a Variant of Uncertain Significance.

This study involves interpretation of variants in research participants for the purpose of population health screening. Participant phenotype was not available at the time of variant classification. Additional details can be found in publication PMID: 35346344, PMCID: PMC8962531

Ambry Genetics
Classification: Uncertain significance for Hereditary cancer-predisposing syndrome. Last evaluated: 2023-01-17. Review status: criteria provided, single submitter. Criteria: Ambry Variant Classification Scheme 2023. Collection method: clinical testing. Allele origin: germline.
Comment: The p.K68Q variant (also known as c.202A>C), located in coding exon 1 of the MSH6 gene, results from an A to C substitution at nucleotide position 202. The lysine at codon 68 is replaced by glutamine, an amino acid with similar properties. This amino acid position is conserved. In addition, this alteration is predicted to be tolerated by in silico analysis. Since supporting evidence is limited at this time, the clinical significance of this alteration remains unclear.

NM_000179.3(MSH6):c.202A>C (p.Lys68Gln)

Gene: MSH6 (mutS homolog 6; plus strand). Cytogenetic location: 2p16.3.
Variant type: single nucleotide variant.
Coding change: c.202A>C on transcript NM_000179.3 (MANE Select); coding-DNA position 202, A replaced by C.
Protein change: p.Lys68Gln; replaces lysine 68 with glutamine.
Molecular consequence: missense variant. On other transcripts: 5 prime UTR variant (7), synonymous variant (1), non-coding transcript variant (5), intron variant (5).
Genome position (GRCh38, 1-based): chr2:47,783,435, A>C. VCF-style: chr2-47783435-A-C. GRCh37 (hg19) VCF-style: chr2-48010574-A-C.
Other names: c.202A>C, p.Lys68Gln (NM_001281492.2, NM_001406795.1, NM_001406796.1 and 9 more transcripts); c.-535A>C (NM_001281493.2, NM_001406811.1); c.-127A>C (NM_001406799.1); c.147A>C, p.Pro49= (NM_001406804.1); c.-727A>C (NM_001406807.1); c.-382A>C (NM_001406812.1); c.-793A>C (NM_001406814.1); c.-338A>C (NM_001406816.1); and 3 more; short protein forms K68Q.
Identifiers: ClinVar variation 3074332 (VCV003074332.2), dbSNP rs2103941902, ClinGen allele CA346735041.